The following is an entry in ClinVar:

ClinVar aggregate classification (germline): Uncertain significance (1 of 4 stars; one submission).

Conditions:
Atrial fibrillation, familial, 7 (ATFB7). Identifiers: MedGen C2677106, MONDO:0012828, OMIM 612240.

Submission:

Labcorp Genetics (formerly Invitae), Labcorp
Classification: Uncertain significance for Atrial fibrillation, familial, 7. Last evaluated: 2021-10-06. Review status: criteria provided, single submitter. Criteria: Invitae Variant Classification Sherloc (09022015). Collection method: clinical testing. Allele origin: germline.
Comment: This variant is not present in population databases (ExAC no frequency). This sequence change replaces histidine with arginine at codon 123 of the KCNA5 protein (p.His123Arg). The histidine residue is weakly conserved and there is a small physicochemical difference between histidine and arginine. This variant has not been reported in the literature in individuals affected with KCNA5-related conditions. In summary, the available evidence is currently insufficient to determine the role of this variant in disease. Therefore, it has been classified as a Variant of Uncertain Significance. Algorithms developed to predict the effect of missense changes on protein structure and function (SIFT, PolyPhen-2, Align-GVGD) all suggest that this variant is likely to be tolerated.

NM_002234.4(KCNA5):c.368A>G (p.His123Arg)

Gene: KCNA5 (potassium voltage-gated channel subfamily A member 5; plus strand). Cytogenetic location: 12p13.32.
Variant type: single nucleotide variant.
Coding change: c.368A>G on transcript NM_002234.4 (MANE Select); coding-DNA position 368, A replaced by G.
Protein change: p.His123Arg; replaces histidine 123 with arginine.
Molecular consequence: missense variant.
Genome position (GRCh38, 1-based): chr12:5,044,515, A>G. VCF-style: chr12-5044515-A-G. GRCh37 (hg19) VCF-style: chr12-5153681-A-G.
Other names: short protein forms H123R.
Identifiers: ClinVar variation 1431283 (VCV001431283.6), dbSNP rs2137771711, ClinGen allele CA383464221.
Genomic context (GRCh38, chr12:5,044,515, plus strand): 5'-GCCTGGGCACGGTGGAGGACCAGGCTCTGGGCACGGCGTCCCTGCACCACCAGCGCGTCC[A>G]CATCAACATCTCCGGGCTGCGCTTTGAGACGCAGCTGGGCACCCTGGCGCAGTTCCCCAA-3'
Protein context (NP_002225.2, residues 113-133): GTASLHHQRV[His123Arg]INISGLRFET